The following is an entry in ClinVar:

NM_000051.4(ATM):c.3605del (p.Gly1202fs)

Gene: ATM (ATM serine/threonine kinase; plus strand). Cytogenetic location: 11q22.3.
Variant type: Deletion.
Coding change: c.3605del on transcript NM_000051.4 (MANE Select); coding-DNA position 3605, one base deleted (G; older notation c.3605delG).
Protein change: p.Gly1202fs; shifts the reading frame from glycine 1202.
Molecular consequence: frameshift variant.
Genome position (GRCh38, 1-based): chr11:108,282,738, G deleted; the last of 2 consecutive G bases (chr11:108,282,737-108,282,738); deleting either gives the same sequence. VCF-style (leftmost placement, unchanged base first): chr11-108282736-TG-T. GRCh37 (hg19) VCF-style: chr11-108153463-TG-T.
Other names: c.3605del, p.Gly1202fs (NM_001351834.2); short protein forms G1202fs.
Identifiers: ClinVar variation 3148489 (VCV003148489.1), dbSNP rs2546879001, ClinGen allele CA2825001837.

ClinVar aggregate classification (germline): Pathogenic (1 of 4 stars; one submission).

Conditions:
Familial cancer of breast. Also called: BREAST CANCER, FAMILIAL; Hereditary breast cancer; hereditary breast carcinoma. Identifiers: Orphanet 227535, MedGen C0346153, MONDO:0016419, OMIM 114480. Disease mechanism: loss of function.

Submission:

Myriad Genetics, Inc.
Classification: Pathogenic for Familial cancer of breast. Last evaluated: 2024-01-22. Review status: criteria provided, single submitter. Criteria: Myriad Autosomal Dominant, Autosomal Recessive and X-Linked Classification Criteria (2023). Collection method: clinical testing. Allele origin: unknown.
Comment: This variant is considered pathogenic. This variant creates a frameshift predicted to result in premature protein truncation.